The following is an entry in ClinVar:

NM_001382430.1(AKT1):c.1154A>G (p.Lys385Arg)

Gene: AKT1 (AKT serine/threonine kinase 1; minus strand). Cytogenetic location: 14q32.33.
Variant type: single nucleotide variant.
Coding change: c.1154A>G on transcript NM_001382430.1 (MANE Select); coding-DNA position 1154, A replaced by G.
Protein change: p.Lys385Arg; replaces lysine 385 with arginine.
Molecular consequence: missense variant.
Genome position (GRCh38, 1-based): chr14:104,772,896, T>C on the plus strand (A>G on the coding strand, the complement: AKT1 is on the minus strand). VCF-style: chr14-104772896-T-C. GRCh37 (hg19) VCF-style: chr14-105239233-T-C.
Other names: c.1154A>G, p.Lys385Arg (NM_001014431.2, NM_001014432.2, NM_001382431.1 and 3 more transcripts); short protein forms K385R.
Identifiers: ClinVar variation 1702594 (VCV001702594.3), dbSNP rs1892472772, ClinGen allele CA391216582.

ClinVar aggregate classification (germline): Uncertain significance (1 of 4 stars; one submission).

Submission:

GeneDx
Classification: Uncertain significance. Last evaluated: 2025-07-13. Review status: criteria provided, single submitter. Criteria: GeneDx Variant Classification Process June 2021. Collection method: clinical testing. Allele origin: germline.
Comment: Not observed at significant frequency in large population cohorts (gnomAD); In silico analysis suggests that this missense variant does not alter protein structure/function; Has not been previously published as pathogenic or benign to our knowledge